The following is an entry in ClinVar:

ClinVar aggregate classification (germline): Uncertain significance (1 of 4 stars; one submission).

Conditions:
Hereditary spastic paraplegia 11. Also called: SPASTIC PARAPLEGIA, AUTOSOMAL RECESSIVE, COMPLICATED, WITH THIN CORPUS CALLOSUM; SPASTIC PARAPLEGIA, AUTOSOMAL RECESSIVE, WITH MENTAL IMPAIRMENT AND THIN CORPUS CALLOSUM; Nakamura Osame syndrome; Autosomal recessive hereditary spastic paraplegia, mental impairment, and thin corpus callosum; Spastic paraplegia, mental retardation and thin corpus callosum; Spastic Paraplegia 11. Identifiers: Orphanet 2822, MedGen C1858479, MONDO:0011445, OMIM 604360.

Allele frequency attached by ClinVar (database versions not stated): ExAC 0.00001; gnomAD exomes 0.00002; TOPMed below 0.00001.
gnomAD v4.1: 23 of 1,614,172 alleles (0.0014%); highest among the groups gnomAD compares: Non-Finnish European, 0.0019%; no homozygotes.

Submission:

Labcorp Genetics (formerly Invitae), Labcorp
Classification: Uncertain significance for Hereditary spastic paraplegia 11. Last evaluated: 2023-03-30. Review status: criteria provided, single submitter. Criteria: Invitae Variant Classification Sherloc (09022015). Collection method: clinical testing. Allele origin: germline.
Comment: This sequence change replaces serine, which is neutral and polar, with asparagine, which is neutral and polar, at codon 1745 of the SPG11 protein (p.Ser1745Asn). In summary, the available evidence is currently insufficient to determine the role of this variant in disease. Therefore, it has been classified as a Variant of Uncertain Significance. Algorithms developed to predict the effect of sequence changes on RNA splicing suggest that this variant may disrupt the consensus splice site. Advanced modeling of protein sequence and biophysical properties (such as structural, functional, and spatial information, amino acid conservation, physicochemical variation, residue mobility, and thermodynamic stability) performed at Invitae indicates that this missense variant is not expected to disrupt SPG11 protein function. This variant has not been reported in the literature in individuals affected with SPG11-related conditions. This variant is present in population databases (rs763786301, gnomAD 0.003%).

NM_025137.4(SPG11):c.5234G>A (p.Ser1745Asn)

Gene: SPG11 (SPG11 vesicle trafficking associated, spatacsin; minus strand). Cytogenetic location: 15q21.1.
Variant type: single nucleotide variant.
Coding change: c.5234G>A on transcript NM_025137.4 (MANE Select); coding-DNA position 5234, G replaced by A.
Protein change: p.Ser1745Asn; replaces serine 1745 with asparagine.
Molecular consequence: missense variant. On other transcripts: intron variant (1).
Genome position (GRCh38, 1-based): chr15:44,584,446, C>T on the plus strand (G>A on the coding strand, the complement: SPG11 is on the minus strand). VCF-style: chr15-44584446-C-T. GRCh37 (hg19) VCF-style: chr15-44876644-C-T.
Other names: c.5234G>A, p.Ser1745Asn (NM_001160227.2); c.5122-32G>A (NM_001411132.1); short protein forms S1745N.
Identifiers: ClinVar variation 2848308 (VCV002848308.3), dbSNP rs763786301, ClinGen allele CA7534440.